The following is an entry in ClinVar:

NM_003072.5(SMARCA4):c.3197C>A (p.Thr1066Asn)

Gene: SMARCA4 (SWI/SNF related BAF chromatin remodeling complex subunit ATPase 4; plus strand). Cytogenetic location: 19p13.2.
Variant type: single nucleotide variant.
Coding change: c.3197C>A on transcript NM_003072.5 (MANE Select); coding-DNA position 3197, C replaced by A.
Protein change: p.Thr1066Asn; replaces threonine 1066 with asparagine.
Molecular consequence: missense variant. On other transcripts: non-coding transcript variant (1).
Genome position (GRCh38, 1-based): chr19:11,026,328, C>A. VCF-style: chr19-11026328-C-A. GRCh37 (hg19) VCF-style: chr19-11137004-C-A.
Other names: c.3197C>A, p.Thr1066Asn (NM_001387283.1, NM_001128844.3, NM_001128845.2 and 5 more transcripts); c.3197C>A (NM_001128849.1); short protein forms T1066N.
Identifiers: ClinVar variation 1043222 (VCV001043222.9), dbSNP rs1555781082, ClinGen allele CA404060126.

ClinVar aggregate classification (germline): Uncertain significance. Review status: criteria provided, multiple submitters, no conflicts (2 of 4 stars). 2 submissions from 2 submitters: Uncertain significance (2). Last evaluated 2024-12-28.

Conditions:
Rhabdoid tumor predisposition syndrome 2 (RTPS2). Identifiers: Orphanet 231108, Orphanet 69077, MedGen C2750074, MONDO:0013224, OMIM 613325.
Hereditary cancer-predisposing syndrome. Also called: Hereditary Cancer Syndrome; Tumor predisposition; Hereditary neoplastic syndrome; Neoplastic Syndromes, Hereditary. Identifiers: Orphanet 140162, MedGen C0027672, MeSH D009386, MONDO:0015356.

Submissions (2):

Ambry Genetics
Classification: Uncertain significance for Hereditary cancer-predisposing syndrome. Last evaluated: 2024-12-28. Review status: criteria provided, single submitter. Criteria: Ambry Variant Classification Scheme 2023. Collection method: clinical testing. Allele origin: germline.
Comment: The p.T1066N variant (also known as c.3197C>A), located in coding exon 22 of the SMARCA4 gene, results from a C to A substitution at nucleotide position 3197. The threonine at codon 1066 is replaced by asparagine, an amino acid with similar properties. This amino acid position is conserved. In addition, this alteration is predicted to be tolerated by in silico analysis. Based on the available evidence, the clinical significance of this variant remains unclear.

Labcorp Genetics (formerly Invitae), Labcorp
Classification: Uncertain significance for Rhabdoid tumor predisposition syndrome 2. Last evaluated: 2020-09-10. Review status: criteria provided, single submitter. Criteria: Invitae Variant Classification Sherloc (09022015). Collection method: clinical testing. Allele origin: germline.
Comment: In summary, the available evidence is currently insufficient to determine the role of this variant in disease. Therefore, it has been classified as a Variant of Uncertain Significance. Algorithms developed to predict the effect of missense changes on protein structure and function (SIFT, PolyPhen-2, Align-GVGD) all suggest that this variant is likely to be tolerated, but these predictions have not been confirmed by published functional studies and their clinical significance is uncertain. This variant has not been reported in the literature in individuals with SMARCA4-related conditions. This variant is not present in population databases (ExAC no frequency). This sequence change replaces threonine with asparagine at codon 1066 of the SMARCA4 protein (p.Thr1066Asn). The threonine residue is moderately conserved and there is a small physicochemical difference between threonine and asparagine.